The following is an entry in ClinVar:

ClinVar aggregate classification (germline): Likely pathogenic (1 of 4 stars; one submission).

Conditions:
Hereditary cancer-predisposing syndrome. Also called: Hereditary neoplastic syndrome; Neoplastic Syndromes, Hereditary; Tumor predisposition; Hereditary Cancer Syndrome. Identifiers: Orphanet 140162, MedGen C0027672, MeSH D009386, MONDO:0015356.

Submission:

Labcorp Genetics (formerly Invitae), Labcorp
Classification: Likely pathogenic for Hereditary cancer-predisposing syndrome. Last evaluated: 2023-02-13. Review status: criteria provided, single submitter. Criteria: Invitae Variant Classification Sherloc (09022015). Collection method: clinical testing. Allele origin: unknown.
Comment: This variant is a gross deletion of the genomic region encompassing exon(s) 24-25 of the RAD50 gene, which includes the termination codon. This deletion extends beyond the assayed region for this gene and therefore may encompass additional genes. While this deletion is not anticipated to lead to nonsense mediated decay, it is expected to alter mRNA translation or result in a truncated protein product. This variant has not been reported in the literature in individuals affected with RAD50-related conditions. This variant disrupts the ATPase-C domain, which is important for RAD50 ATPase activity (PMID: 10892749, 24894818). While functional studies have not been performed to directly test the effect of this variant on RAD50 protein function, this suggests that disruption of this region of the protein is causative of disease. In summary, the currently available evidence indicates that the variant is pathogenic, but additional data are needed to prove that conclusively. Therefore, this variant has been classified as Likely Pathogenic.

Literature cited by the submitters: PubMed 10892749; PubMed 24894818.

NC_000005.9:g.(?_131976354)_(131978056_?)del

Gene: RAD50 (RAD50 double strand break repair protein; plus strand). Cytogenetic location: 5q31.1.
Variant type: Deletion.
Identifiers: ClinVar variation 3246283 (VCV003246283.1).